The following is an entry in ClinVar:

NM_001130009.3(GEN1):c.1715C>A (p.Thr572Asn)

Gene: GEN1 (GEN1 Holliday junction 5' flap endonuclease; plus strand). Cytogenetic location: 2p24.2.
Variant type: single nucleotide variant.
Coding change: c.1715C>A on transcript NM_001130009.3 (MANE Select); coding-DNA position 1715, C replaced by A.
Protein change: p.Thr572Asn; replaces threonine 572 with asparagine.
Molecular consequence: missense variant.
Genome position (GRCh38, 1-based): chr2:17,780,927, C>A. VCF-style: chr2-17780927-C-A. GRCh37 (hg19) VCF-style: chr2-17962194-C-A.
Other names: c.1715C>A, p.Thr572Asn (NM_182625.5); short protein forms T572N.
Identifiers: ClinVar variation 3853477 (VCV003853477.1).
Genomic context (GRCh38, chr2:17,780,927, plus strand): 5'-CTATACAGCAAATTAAAGCTGTCAGTAAGTCTCTAATTTCAGAATCTAGTCAACCCAATA[C>A]CTCATCTCATAATATATCCGTGATTGCTGATCTACACTTGAGCACTATTGACTGGGAAGG-3'
Protein context (NP_001123481.3, residues 562-582): SLISESSQPN[Thr572Asn]SSHNISVIAD

ClinVar aggregate classification (germline): Uncertain significance (1 of 4 stars; one submission).

Submission:

Ambry Genetics
Classification: Uncertain significance. Last evaluated: 2025-01-03. Review status: criteria provided, single submitter. Criteria: Ambry Variant Classification Scheme 2023. Collection method: clinical testing. Allele origin: germline.
Comment: The p.T572N variant (also known as c.1715C>A), located in coding exon 13 of the GEN1 gene, results from a C to A substitution at nucleotide position 1715. The threonine at codon 572 is replaced by asparagine, an amino acid with similar properties. This amino acid position is conserved. In addition, this alteration is predicted to be tolerated by in silico analysis. Based on the available evidence, the clinical significance of this variant remains unclear.